The following is an entry in ClinVar:

NM_005732.4(RAD50):c.371G>C (p.Gly124Ala)

Gene: RAD50 (RAD50 double strand break repair protein; plus strand). Cytogenetic location: 5q31.1.
Variant type: single nucleotide variant.
Coding change: c.371G>C on transcript NM_005732.4 (MANE Select); coding-DNA position 371, G replaced by C.
Protein change: p.Gly124Ala; replaces glycine 124 with alanine.
Molecular consequence: missense variant.
Genome position (GRCh38, 1-based): chr5:132,579,322, G>C. VCF-style: chr5-132579322-G-C. GRCh37 (hg19) VCF-style: chr5-131915014-G-C.
Other names: short protein forms G124A.
Identifiers: ClinVar variation 240241 (VCV000240241.12), dbSNP rs878854801, ClinGen allele CA10582371.

ClinVar aggregate classification (germline): Uncertain significance. Review status: criteria provided, multiple submitters, no conflicts (2 of 4 stars). 2 submissions from 2 submitters: Uncertain significance (2). Last evaluated 2024-09-15.

Conditions:
Hereditary cancer-predisposing syndrome. Also called: Neoplastic Syndromes, Hereditary; Hereditary neoplastic syndrome; Tumor predisposition; Hereditary Cancer Syndrome. Identifiers: Orphanet 140162, MedGen C0027672, MeSH D009386, MONDO:0015356.

Submissions (2):

Ambry Genetics
Classification: Uncertain significance for Hereditary cancer-predisposing syndrome. Last evaluated: 2024-09-15. Review status: criteria provided, single submitter. Criteria: Ambry Variant Classification Scheme 2023. Collection method: clinical testing. Allele origin: germline.
Comment: The p.G124A variant (also known as c.371G>C), located in coding exon 4 of the RAD50 gene, results from a G to C substitution at nucleotide position 371. The glycine at codon 124 is replaced by alanine, an amino acid with similar properties. This amino acid position is highly conserved in available vertebrate species. In addition, the in silico prediction for this alteration is inconclusive. Since supporting evidence is limited at this time, the clinical significance of this alteration remains unclear.

Labcorp Genetics (formerly Invitae), Labcorp
Classification: Uncertain significance for Hereditary cancer-predisposing syndrome. Last evaluated: 2024-04-10. Review status: criteria provided, single submitter. Criteria: Invitae Variant Classification Sherloc (09022015). Collection method: clinical testing. Allele origin: germline.
Comment: This sequence change replaces glycine, which is neutral and non-polar, with alanine, which is neutral and non-polar, at codon 124 of the RAD50 protein (p.Gly124Ala). This variant is not present in population databases (gnomAD no frequency). This variant has not been reported in the literature in individuals affected with RAD50-related conditions. ClinVar contains an entry for this variant (Variation ID: 240241). Advanced modeling of protein sequence and biophysical properties (such as structural, functional, and spatial information, amino acid conservation, physicochemical variation, residue mobility, and thermodynamic stability) performed at Invitae indicates that this missense variant is expected to disrupt RAD50 protein function with a positive predictive value of 80%. In summary, the available evidence is currently insufficient to determine the role of this variant in disease. Therefore, it has been classified as a Variant of Uncertain Significance.